The following is an entry in ClinVar:

NM_001197104.2(KMT2A):c.2568G>T (p.Glu856Asp)

Gene: KMT2A (lysine methyltransferase 2A; plus strand). Cytogenetic location: 11q23.3.
Variant type: single nucleotide variant.
Coding change: c.2568G>T on transcript NM_001197104.2 (MANE Select); coding-DNA position 2568, G replaced by T.
Protein change: p.Glu856Asp; replaces glutamic acid 856 with aspartic acid.
Molecular consequence: missense variant.
Genome position (GRCh38, 1-based): chr11:118,473,727, G>T. VCF-style: chr11-118473727-G-T. GRCh37 (hg19) VCF-style: chr11-118344442-G-T.
Other names: c.2667G>T, p.Glu889Asp (NM_001412597.1); c.2568G>T, p.Glu856Asp (NM_005933.4); short protein forms E856D, E889D.
Identifiers: ClinVar variation 2887058 (VCV002887058.3), dbSNP rs782432998, ClinGen allele CA6303529.
Genomic context (GRCh38, chr11:118,473,727, plus strand): 5'-CCCTTGGTTTACCCCAGGCTCTCAGACTGAAAGAGGGAGAAATAAAGACAAGGCCCCCGA[G>T]GAGCTGTCCAAAGATCGAGATGCTGACAAGAGCGTGGAGAAGGACAAGAGTAGAGAGAGA-3'
Protein context (NP_001184033.1, residues 846-866): ERGRNKDKAP[Glu856Asp]ELSKDRDADK

ClinVar aggregate classification (germline): Uncertain significance (1 of 4 stars; one submission).

Allele frequency attached by ClinVar (database versions not stated): ExAC 0.00001; gnomAD exomes 0.00001; TOPMed 0.00001.
gnomAD v4.1: 9 of 1,614,114 alleles (0.00056%); highest among the groups gnomAD compares: Middle Eastern, 0.05%; no homozygotes.

Submission:

Labcorp Genetics (formerly Invitae), Labcorp
Classification: Uncertain significance. Last evaluated: 2024-08-14. Review status: criteria provided, single submitter. Criteria: Invitae Variant Classification Sherloc (09022015). Collection method: clinical testing. Allele origin: germline.
Comment: This sequence change replaces glutamic acid, which is acidic and polar, with aspartic acid, which is acidic and polar, at codon 856 of the KMT2A protein (p.Glu856Asp). This variant is present in population databases (rs782432998, gnomAD 0.003%). This variant has not been reported in the literature in individuals affected with KMT2A-related conditions. Invitae Evidence Modeling of protein sequence and biophysical properties (such as structural, functional, and spatial information, amino acid conservation, physicochemical variation, residue mobility, and thermodynamic stability) indicates that this missense variant is not expected to disrupt KMT2A protein function with a negative predictive value of 95%. In summary, the available evidence is currently insufficient to determine the role of this variant in disease. Therefore, it has been classified as a Variant of Uncertain Significance.